The following is an entry in ClinVar:

NM_019844.4(SLCO1B3):c.801A>G (p.Leu267=)

Genes: SLCO1B3 (solute carrier organic anion transporter family member 1B3; plus strand), SLCO1B3-SLCO1B7 (SLCO1B3-SLCO1B7 readthrough; plus strand). Cytogenetic location: 12p12.2.
Variant type: single nucleotide variant.
Coding change: c.801A>G on transcript NM_019844.4 (MANE Select); coding-DNA position 801, A replaced by G.
Protein change: p.Leu267=; no amino-acid change (leucine 267 retained).
Molecular consequence: synonymous variant.
Genome position (GRCh38, 1-based): chr12:20,875,308, A>G. VCF-style: chr12-20875308-A-G. GRCh37 (hg19) VCF-style: chr12-21028242-A-G.
Other names: c.801A>G, p.Leu267= (NM_001371097.1); c.717A>G, p.Leu239= (NM_001349920.2).
Identifiers: ClinVar variation 736406 (VCV000736406.8), dbSNP rs373432026, ClinGen allele CA6475352.

ClinVar aggregate classification (germline): Benign/Likely benign. Review status: criteria provided, multiple submitters, no conflicts (2 of 4 stars). 3 submissions from 3 submitters: Benign (2); Likely benign (1). Last evaluated 2024-05-31.

Conditions:
Rotor syndrome (HBLRR). Also called: HYPERBILIRUBINEMIA, ROTOR TYPE, DIGENIC; HYPERBILIRUBINEMIA, ROTOR TYPE. Identifiers: Orphanet 3111, MedGen C0220991, MONDO:0009379, OMIM 237450.

Allele frequency attached by ClinVar (database versions not stated): TOPMed 0.00003; gnomAD 0.00005 and 0.00085; ExAC 0.00307; 1000 Genomes Project 30x 0.00390; 1000 Genomes Project 0.00419.
gnomAD v4.1: 2,144 of 1,613,366 alleles (0.13%); highest among the groups gnomAD compares: South Asian, 2.2%; 51 homozygotes.

Submissions (3):

ARUP Laboratories, Molecular Genetics and Genomics, ARUP Laboratories
Classification: Likely benign for Rotor syndrome. Last evaluated: 2024-05-31. Review status: criteria provided, single submitter. Criteria: ARUP Molecular Germline Variant Investigation Process 2024. Collection method: clinical testing. Allele origin: germline.

Labcorp Genetics (formerly Invitae), Labcorp
Classification: Benign. Last evaluated: 2018-04-10. Review status: criteria provided, single submitter. Criteria: Invitae Variant Classification Sherloc (09022015). Collection method: clinical testing. Allele origin: germline.

Illumina Laboratory Services, Illumina
Classification: Benign for Rotor syndrome. Last evaluated: 2018-01-13. Review status: criteria provided, single submitter. Criteria: ICSL Variant Classification Criteria 13 December 2019. Collection method: clinical testing. Allele origin: germline.
Comment: This variant was observed in the ICSL laboratory as part of a predisposition screen in an ostensibly healthy population. It had not been previously curated by ICSL or reported in the Human Gene Mutation Database (HGMD: prior to June 1st, 2018), and was therefore a candidate for classification through an automated scoring system. Utilizing variant allele frequency, disease prevalence and penetrance estimates, and inheritance mode, an automated score was calculated to assess if this variant is too frequent to cause the disease. Based on the score and internal cut-off values, a variant classified as benign is not then subjected to further curation. The score for this variant resulted in a classification of benign for this disease.